The following is an entry in ClinVar:

NM_025132.4(WDR19):c.3289A>T (p.Met1097Leu)

Gene: WDR19 (WD repeat domain 19; plus strand). Cytogenetic location: 4p14.
Variant type: single nucleotide variant.
Coding change: c.3289A>T on transcript NM_025132.4 (MANE Select); coding-DNA position 3289, A replaced by T.
Protein change: p.Met1097Leu; replaces methionine 1097 with leucine.
Molecular consequence: missense variant.
Genome position (GRCh38, 1-based): chr4:39,268,022, A>T. VCF-style: chr4-39268022-A-T. GRCh37 (hg19) VCF-style: chr4-39269642-A-T.
Other names: c.2809A>T, p.Met937Leu (NM_001317924.2); short protein forms M1097L, M937L.
Identifiers: ClinVar variation 1714004 (VCV001714004.5), dbSNP rs771862503, ClinGen allele CA356645087.

ClinVar aggregate classification (germline): Uncertain significance (1 of 4 stars; one submission).

Conditions:
Asphyxiating thoracic dystrophy 5 (SRTD5). Also called: SHORT-RIB THORACIC DYSPLASIA 5 WITH OR WITHOUT POLYDACTYLY; SHORT-RIB THORACIC DYSPLASIA 5 WITHOUT POLYDACTYLY. Identifiers: Orphanet 474, MedGen C3280598, MONDO:0013717, OMIM 614376.
Senior-Loken syndrome 8 (SLSN8). Identifiers: Orphanet 3156, MedGen C4225376, MONDO:0014579, OMIM 616307.

Submission:

Labcorp Genetics (formerly Invitae), Labcorp
Classification: Uncertain significance for Senior-Loken syndrome 8; Asphyxiating thoracic dystrophy 5. Last evaluated: 2022-07-27. Review status: criteria provided, single submitter. Criteria: Invitae Variant Classification Sherloc (09022015). Collection method: clinical testing. Allele origin: germline.
Comment: This sequence change replaces methionine, which is neutral and non-polar, with leucine, which is neutral and non-polar, at codon 1097 of the WDR19 protein (p.Met1097Leu). This variant is not present in population databases (gnomAD no frequency). This variant has not been reported in the literature in individuals affected with WDR19-related conditions. Algorithms developed to predict the effect of missense changes on protein structure and function (SIFT, PolyPhen-2, Align-GVGD) all suggest that this variant is likely to be tolerated. In summary, the available evidence is currently insufficient to determine the role of this variant in disease. Therefore, it has been classified as a Variant of Uncertain Significance.